The following is an entry in ClinVar:

ClinVar aggregate classification (germline): Uncertain significance (1 of 4 stars; one submission).

gnomAD v4.1: 287 of 1,612,910 alleles (0.018%); highest among the groups gnomAD compares: Middle Eastern, 0.63%; 4 homozygotes.

Submission:

Ambry Genetics
Classification: Uncertain significance. Last evaluated: 2026-08-04. Review status: criteria provided, single submitter. Criteria: Ambry Variant Classification Scheme 2023. Collection method: clinical testing. Allele origin: germline.
Comment: The c.3211G>A (p.V1071I) alteration is located in exon 3 (coding exon 3) of the CSPG4 gene. This alteration results from a G to A substitution at nucleotide position 3211, causing the valine (V) at amino acid position 1071 to be replaced by an isoleucine (I). Based on data from gnomAD, the A allele has an overall frequency of 0.016% (45/281508) total alleles studied. The highest observed frequency was 0.083% (6/7202) of Other alleles. Based on insufficient or conflicting evidence, the clinical significance of this alteration remains unclear.

NM_001897.5(CSPG4):c.3211G>A (p.Val1071Ile)

Gene: CSPG4 (chondroitin sulfate proteoglycan 4; minus strand). Cytogenetic location: 15q24.2.
Variant type: single nucleotide variant.
Coding change: c.3211G>A on transcript NM_001897.5 (MANE Select); coding-DNA position 3211, G replaced by A.
Protein change: p.Val1071Ile; replaces valine 1071 with isoleucine.
Molecular consequence: missense variant.
Genome position (GRCh38, 1-based): chr15:75,687,854, C>T on the plus strand (G>A on the coding strand, the complement: CSPG4 is on the minus strand). VCF-style: chr15-75687854-C-T. GRCh37 (hg19) VCF-style: chr15-75980195-C-T.
Other names: short protein forms V1071I.
Identifiers: ClinVar variation 3269901 (VCV003269901.2).